The following is an entry in ClinVar:

NM_000141.5(FGFR2):c.1064C>T (p.Ala355Val)

Gene: FGFR2 (fibroblast growth factor receptor 2; minus strand). Cytogenetic location: 10q26.13.
Variant type: single nucleotide variant.
Coding change: c.1064C>T on transcript NM_000141.5 (MANE Select); coding-DNA position 1064, C replaced by T.
Protein change: p.Ala355Val; replaces alanine 355 with valine.
Molecular consequence: missense variant. On other transcripts: non-coding transcript variant (1), intron variant (5).
Genome position (GRCh38, 1-based): chr10:121,517,339, G>A on the plus strand (C>T on the coding strand, the complement: FGFR2 is on the minus strand). VCF-style: chr10-121517339-G-A. GRCh37 (hg19) VCF-style: chr10-123276853-G-A.
Other names: c.797C>T, p.Ala266Val (NM_001144915.2, NM_023029.3); c.719C>T, p.Ala240Val (NM_001144916.2, NM_001144918.2); c.380C>T, p.Ala127Val (NM_001320654.2); c.1064C>T, p.Ala355Val (NM_001320658.2); c.749-2020C>T (NM_001144914.1); c.939+2640C>T (NM_001144917.2); c.1087+1343C>T (NM_022970.4, NM_001144913.1); c.820+1343C>T (NM_001144919.2); short protein forms A127V, A266V, A240V, A355V.
Identifiers: ClinVar variation 1963742 (VCV001963742.5), dbSNP rs2134254649, ClinGen allele CA378327675.
Genomic context (GRCh38, chr10:121,517,339, plus strand): 5'-GAAAAGGGAAAAAAACCCAGAGAGAAAGAACAGTATATACCTGGCAGAACTGTCAACCAT[G>A]CAGAGTGAAAGGATATCCCAATAGAATTACCCGCCAAGCACGTATATTCCCCAGCGTCCT-3'
Protein context (NP_000132.3, residues 345-365): GNSIGISFHS[Ala355Val]WLTVLPAPGR

ClinVar aggregate classification (germline): Uncertain significance (1 of 4 stars; one submission).

Conditions:
FGFR2-related craniosynostosis. Identifiers: MedGen CN231480.

Submission:

Labcorp Genetics (formerly Invitae), Labcorp
Classification: Uncertain significance for FGFR2-related craniosynostosis. Last evaluated: 2021-08-05. Review status: criteria provided, single submitter. Criteria: Invitae Variant Classification Sherloc (09022015). Collection method: clinical testing. Allele origin: germline.
Comment: In summary, the available evidence is currently insufficient to determine the role of this variant in disease. Therefore, it has been classified as a Variant of Uncertain Significance. Algorithms developed to predict the effect of sequence changes on RNA splicing suggest that this variant may create or strengthen a splice site. Algorithms developed to predict the effect of missense changes on protein structure and function are either unavailable or do not agree on the potential impact of this missense change (SIFT: "Tolerated"; PolyPhen-2: "Possibly Damaging"; Align-GVGD: "Class C0"). This variant has not been reported in the literature in individuals affected with FGFR2-related conditions. This variant is not present in population databases (ExAC no frequency). This sequence change replaces alanine with valine at codon 355 of the FGFR2 protein (p.Ala355Val). The alanine residue is highly conserved and there is a small physicochemical difference between alanine and valine.